The following is an entry in ClinVar:

ClinVar aggregate classification (germline): Uncertain significance (1 of 4 stars; one submission).

Allele frequency attached by ClinVar (database versions not stated): gnomAD 0.00003; TOPMed 0.00005; ESP Exome Variant Server 0.00008.

Submission:

Labcorp Genetics (formerly Invitae), Labcorp
Classification: Uncertain significance. Last evaluated: 2025-10-03. Review status: criteria provided, single submitter. Criteria: Invitae Variant Classification Sherloc (09022015). Collection method: clinical testing. Allele origin: germline.
Comment: This sequence change replaces serine, which is neutral and polar, with leucine, which is neutral and non-polar, at codon 231 of the COL7A1 protein (p.Ser231Leu). This variant is present in population databases (rs376924106, gnomAD 0.005%). This variant has not been reported in the literature in individuals affected with COL7A1-related conditions. ClinVar contains an entry for this variant (Variation ID: 2160869). Invitae Evidence Modeling of protein sequence and biophysical properties (such as structural, functional, and spatial information, amino acid conservation, physicochemical variation, residue mobility, and thermodynamic stability) indicates that this missense variant is not expected to disrupt COL7A1 protein function with a negative predictive value of 95%. In summary, the available evidence is currently insufficient to determine the role of this variant in disease. Therefore, it has been classified as a Variant of Uncertain Significance.

NM_000094.4(COL7A1):c.692C>T (p.Ser231Leu)

Gene: COL7A1 (collagen type VII alpha 1 chain; minus strand). Cytogenetic location: 3p21.31.
Variant type: single nucleotide variant.
Coding change: c.692C>T on transcript NM_000094.4 (MANE Select); coding-DNA position 692, C replaced by T.
Protein change: p.Ser231Leu; replaces serine 231 with leucine.
Molecular consequence: missense variant.
Genome position (GRCh38, 1-based): chr3:48,592,929, G>A on the plus strand (C>T on the coding strand, the complement: COL7A1 is on the minus strand). VCF-style: chr3-48592929-G-A. GRCh37 (hg19) VCF-style: chr3-48630362-G-A.
Other names: short protein forms S231L.
Identifiers: ClinVar variation 2160869 (VCV002160869.3), dbSNP rs376924106, ClinGen allele CA73993260.